The following is an entry in ClinVar:

NM_024513.4(FYCO1):c.*1056C>T

Gene: FYCO1 (FYVE and coiled-coil domain autophagy adaptor 1; minus strand). Cytogenetic location: 3p21.31.
Variant type: single nucleotide variant.
Coding change: c.*1056C>T on transcript NM_024513.4 (MANE Select); 1056 bases downstream of the stop codon, C replaced by T.
Molecular consequence: 3 prime UTR variant.
Genome position (GRCh38, 1-based): chr3:45,920,709, G>A on the plus strand (C>T on the coding strand, the complement: FYCO1 is on the minus strand). VCF-style: chr3-45920709-G-A. GRCh37 (hg19) VCF-style: chr3-45962201-G-A.
Identifiers: ClinVar variation 345476 (VCV000345476.5), dbSNP rs114644287, ClinGen allele CA10616036.
Genomic context (GRCh38, chr3:45,920,709, plus strand): 5'-GCAGTGGGAAGTGGGCAAATGGGCTGTTGGGGAACCTGTCAGGAGGGGAGTGGGGCCCAG[G>A]GATCCATCATGCCTCTGTTTACTCTGTTACTTTGGTTCTTAAGTTATCAAAGACTTTTGT-3'

ClinVar aggregate classification (germline): Benign (1 of 4 stars; one submission).

Conditions:
Cataract 18 (CATC2). Also called: CATARACT 18, AUTOSOMAL RECESSIVE. Identifiers: Orphanet 91492, Orphanet 98991, Orphanet 98992, Orphanet 98995, MedGen C1864908, MONDO:0012395, OMIM 610019.

Allele frequency attached by ClinVar (database versions not stated): gnomAD 0.00788 and 0.00847; 1000 Genomes Project 30x 0.00874; 1000 Genomes Project 0.00879; TOPMed 0.00906.

Submission:

Illumina Laboratory Services, Illumina
Classification: Benign for Cataract 18. Last evaluated: 2018-01-13. Review status: criteria provided, single submitter. Criteria: ICSL Variant Classification Criteria 13 December 2019. Collection method: clinical testing. Allele origin: germline.
Comment: This variant was observed in the ICSL laboratory as part of a predisposition screen in an ostensibly healthy population. It had not been previously curated by ICSL or reported in the Human Gene Mutation Database (HGMD: prior to June 1st, 2018), and was therefore a candidate for classification through an automated scoring system. Utilizing variant allele frequency, disease prevalence and penetrance estimates, and inheritance mode, an automated score was calculated to assess if this variant is too frequent to cause the disease. Based on the score and internal cut-off values, a variant classified as benign is not then subjected to further curation. The score for this variant resulted in a classification of benign for this disease.